The following is an entry in ClinVar:

ClinVar aggregate classification (germline): Likely benign. Review status: criteria provided, multiple submitters, no conflicts (2 of 4 stars). 5 submissions from 5 submitters: Likely benign (5). Last evaluated 2024-09-23.

Conditions:
Cardiomyopathy (CMYO). Also called: Cardiomyopathies. Identifiers: Orphanet 167848, MedGen C0878544, MONDO:0004994, HP:0001638. Inheritance: Various modes of inheritance.
Catecholaminergic polymorphic ventricular tachycardia 1. Also called: RYR2-Related Catecholaminergic Polymorphic Ventricular Tachycardia; VENTRICULAR TACHYCARDIA, STRESS-INDUCED POLYMORPHIC 1; VENTRICULAR TACHYCARDIA, CATECHOLAMINERGIC POLYMORPHIC, 1, WITH OR WITHOUT ATRIAL DYSFUNCTION AND/OR DILATED CARDIOMYOPATHY. Identifiers: Orphanet 3286, MedGen C1631597, MONDO:0011484, OMIM 604772.
Catecholaminergic polymorphic ventricular tachycardia (CVPT). Also called: Catecholamine-induced polymorphic ventricular tachycardia. Identifiers: Orphanet 3286, MedGen C5574922, MONDO:0017990.
Cardiovascular phenotype. Identifiers: MedGen CN230736.

Allele frequency attached by ClinVar (database versions not stated): gnomAD exomes below 0.00001 and 0.00001.
gnomAD v4.1: 5 of 1,613,924 alleles (0.00031%); highest among the groups gnomAD compares: Non-Finnish European, 0.00042%; no homozygotes.

Submissions (5):

Labcorp Genetics (formerly Invitae), Labcorp
Classification: Likely benign for Catecholaminergic polymorphic ventricular tachycardia 1. Last evaluated: 2024-09-23. Review status: criteria provided, single submitter. Criteria: Invitae Variant Classification Sherloc (09022015). Collection method: clinical testing. Allele origin: germline.

Ambry Genetics
Classification: Likely benign for Cardiovascular phenotype. Last evaluated: 2024-02-16. Review status: criteria provided, single submitter. Criteria: Ambry Variant Classification Scheme 2023. Collection method: clinical testing. Allele origin: germline.

All of Us Research Program, National Institutes of Health
Classification: Likely benign for Catecholaminergic polymorphic ventricular tachycardia. Last evaluated: 2023-02-24. Review status: criteria provided, single submitter. Criteria: ACMG Guidelines, 2015. Collection method: clinical testing. Allele origin: germline. Inheritance: Autosomal dominant inheritance. Observed: 1 variant allele, 1 heterozygote.
Comment: This study involves interpretation of variants in research participants for the purpose of population health screening. Participant phenotype was not available at the time of variant classification. Additional details can be found in publication PMID: 35346344, PMCID: PMC8962531

CeGaT Center for Human Genetics Tuebingen
Classification: Likely benign. Last evaluated: 2023-02-01. Review status: criteria provided, single submitter. Criteria: CeGaT Center For Human Genetics Tuebingen Variant Classification Criteria Version 2. Collection method: clinical testing. Allele origin: germline. Affected: yes. Observed: 1 variant allele.
Comment: RYR2: BP4, BP7

Color Diagnostics, LLC DBA Color Health
Classification: Likely benign for Cardiomyopathy. Last evaluated: 2019-12-29. Review status: criteria provided, single submitter. Criteria: ACMG Guidelines, 2015. Collection method: clinical testing. Allele origin: germline.

NM_001035.3(RYR2):c.6825A>G (p.Gln2275=)

Gene: RYR2 (ryanodine receptor 2; plus strand). Cytogenetic location: 1q43.
Variant type: single nucleotide variant.
Coding change: c.6825A>G on transcript NM_001035.3 (MANE Select); coding-DNA position 6825, A replaced by G.
Protein change: p.Gln2275=; no amino-acid change (glutamine 2275 retained).
Molecular consequence: synonymous variant.
Genome position (GRCh38, 1-based): chr1:237,638,389, A>G. VCF-style: chr1-237638389-A-G. GRCh37 (hg19) VCF-style: chr1-237801689-A-G.
Other names: c.6825A>G (NM_001035.2).
Identifiers: ClinVar variation 920648 (VCV000920648.37), dbSNP rs529339356, ClinGen allele CA39787344.